The following is an entry in ClinVar:

ClinVar aggregate classification (germline): Pathogenic. Review status: reviewed by expert panel (3 of 4 stars). 4 submissions from 4 submitters: Pathogenic (1). 3 of the submissions do not count toward it. Last evaluated 2016-10-18.

Conditions:
Breast-ovarian cancer, familial, susceptibility to, 2 (BROVCA2). Also called: BRCA2 Hereditary Breast and Ovarian Cancer. Identifiers: Orphanet 145, MedGen C2675520, MONDO:0012933, OMIM 612555. Disease mechanism: loss of function.
Hereditary breast ovarian cancer syndrome. Also called: BRCA1- and BRCA2-Associated Hereditary Breast and Ovarian Cancer; Hereditary breast and ovarian cancer; Breast and ovarian cancer; Hereditary breast and/or ovarian cancer syndrome; Hereditary breast and ovarian cancer syndrome; Hereditary breast and ovarian cancer syndrome (HBOC). Identifiers: Orphanet 145, MedGen C0677776, MeSH D061325, MONDO:0003582. Disease mechanism: loss of function.

Submissions (4):

Evidence-based Network for the Interpretation of Germline Mutant Alleles (ENIGMA)
Classification: Pathogenic for Breast-ovarian cancer, familial, susceptibility to, 2. Last evaluated: 2016-10-18. Review status: reviewed by expert panel. Criteria: ENIGMA BRCA1/2 Classification Criteria (2015). Collection method: curation. Allele origin: germline.
Comment: Variant allele predicted to encode a truncated non-functional protein.

Labcorp Genetics (formerly Invitae), Labcorp
Classification: Pathogenic for Hereditary breast ovarian cancer syndrome. Last evaluated: 2025-05-23. Review status: criteria provided, single submitter. Criteria: Invitae Variant Classification Sherloc (09022015). Collection method: clinical testing. Allele origin: germline. Not counted in ClinVar's aggregate classification.
Comment: This sequence change creates a premature translational stop signal (p.Tyr2826*) in the BRCA2 gene. It is expected to result in an absent or disrupted protein product. Loss-of-function variants in BRCA2 are known to be pathogenic (PMID: 20104584). This variant is not present in population databases (gnomAD no frequency). This premature translational stop signal has been observed in individual(s) with hereditary breast and ovarian cancer syndrome (PMID: 29446198). ClinVar contains an entry for this variant (Variation ID: 267090). For these reasons, this variant has been classified as Pathogenic.

GeneDx
Classification: Pathogenic. Last evaluated: 2024-07-30. Review status: criteria provided, single submitter. Criteria: GeneDx Variant Classification Process June 2021. Collection method: clinical testing. Allele origin: germline. Affected: yes. Not counted in ClinVar's aggregate classification.
Comment: Nonsense variant predicted to result in protein truncation or nonsense mediated decay in a gene for which loss of function is a known mechanism of disease; Truncating variants in this gene are considered pathogenic by a well-established clinical consortium and/or database; Observed in one family in a report summarizing BRCA2 pathogenic variants identified in European and North American populations, but specific clinical details were not provided (PMID: 29446198); Not observed at significant frequency in large population cohorts (gnomAD); Also known as 8706C>G; This variant is associated with the following publications: (PMID: 29446198)

Consortium of Investigators of Modifiers of BRCA1/2 (CIMBA), c/o University of Cambridge
Classification: Pathogenic for Breast-ovarian cancer, familial, susceptibility to, 2. Last evaluated: 2015-10-02. Review status: criteria provided, single submitter. Criteria: CIMBA Mutation Classification guidelines May 2016. Collection method: clinical testing. Allele origin: germline. Not counted in ClinVar's aggregate classification.

Literature cited by the submitters: PubMed 20104584 (cited by Labcorp Genetics (formerly Invitae), Labcorp); PubMed 29446198 (cited by Labcorp Genetics (formerly Invitae), Labcorp).

NM_000059.4(BRCA2):c.8478C>G (p.Tyr2826Ter)

Gene: BRCA2 (BRCA2 DNA repair associated; plus strand). Cytogenetic location: 13q13.1.
Variant type: single nucleotide variant.
Coding change: c.8478C>G on transcript NM_000059.4 (MANE Select); coding-DNA position 8478, C replaced by G.
Protein change: p.Tyr2826Ter; replaces tyrosine 2826 with a stop codon.
Molecular consequence: nonsense.
Genome position (GRCh38, 1-based): chr13:32,370,548, C>G. VCF-style: chr13-32370548-C-G. GRCh37 (hg19) VCF-style: chr13-32944685-C-G.
Other names: 8706C>G (Y2826X); short protein forms Y2826*.
Identifiers: ClinVar variation 267090 (VCV000267090.7), dbSNP rs776353983, ClinGen allele CA10589500.
Genomic context (GRCh38, chr13:32,370,548, plus strand): 5'-ATCGCTTTTCAGTGATGGAGGAAATGTTGGTTGTGTTGATGTAATTATTCAAAGAGCATA[C>G]CCTATACAGGTATGATGTATTCTTGAAACTTACCATATATTTCTTTCTTTTGATACAATT-3'